The following is an entry in ClinVar:

NM_001164508.2(NEB):c.3371G>A (p.Arg1124Gln)

Gene: NEB (nebulin; minus strand). Cytogenetic location: 2q23.3.
Variant type: single nucleotide variant.
Coding change: c.3371G>A on transcript NM_001164508.2 (MANE Select); coding-DNA position 3371, G replaced by A.
Protein change: p.Arg1124Gln; replaces arginine 1124 with glutamine.
Molecular consequence: missense variant.
Genome position (GRCh38, 1-based): chr2:151,678,072, C>T on the plus strand (G>A on the coding strand, the complement: NEB is on the minus strand). VCF-style: chr2-151678072-C-T. GRCh37 (hg19) VCF-style: chr2-152534586-C-T.
Other names: c.3371G>A, p.Arg1124Gln (NM_001164507.2, NM_001271208.2, NM_004543.5); short protein forms R1124Q.
Identifiers: ClinVar variation 1045154 (VCV001045154.9), dbSNP rs750762588, ClinGen allele CA1910925.

ClinVar aggregate classification (germline): Uncertain significance. Review status: criteria provided, multiple submitters, no conflicts (2 of 4 stars). 3 submissions from 3 submitters: Uncertain significance (3). Last evaluated 2023-09-13.

Conditions:
Nemaline myopathy 2 (NEM2). Also called: Nemaline myopathy 2, autosomal recessive. Identifiers: MedGen C1850569, MONDO:0009725, OMIM 256030.

Allele frequency attached by ClinVar (database versions not stated): ExAC 0.00001; gnomAD 0.00001; gnomAD exomes 0.00001; TOPMed 0.00001.
gnomAD v4.1: 9 of 1,613,726 alleles (0.00056%); highest among the groups gnomAD compares: African/African-American, 0.0027%; no homozygotes.

Submissions (3):

Blueprint Genetics
Classification: Uncertain significance. Last evaluated: 2023-09-13. Review status: criteria provided, single submitter. Criteria: ACMG Guidelines, 2015. Collection method: clinical testing. Allele origin: germline.

Revvity Omics, Revvity
Classification: Uncertain significance. Last evaluated: 2022-12-15. Review status: criteria provided, single submitter. Criteria: ACMG Guidelines, 2015. Collection method: clinical testing. Allele origin: germline.

Labcorp Genetics (formerly Invitae), Labcorp
Classification: Uncertain significance for Nemaline myopathy 2. Last evaluated: 2022-02-28. Review status: criteria provided, single submitter. Criteria: Invitae Variant Classification Sherloc (09022015). Collection method: clinical testing. Allele origin: germline.
Comment: This sequence change replaces arginine, which is basic and polar, with glutamine, which is neutral and polar, at codon 1124 of the NEB protein (p.Arg1124Gln). This variant is present in population databases (rs750762588, gnomAD 0.002%). This variant has not been reported in the literature in individuals affected with NEB-related conditions. ClinVar contains an entry for this variant (Variation ID: 1045154). Algorithms developed to predict the effect of missense changes on protein structure and function are either unavailable or do not agree on the potential impact of this missense change (SIFT: "Deleterious"; PolyPhen-2: "Not Available"; Align-GVGD: "Class C0"). In summary, the available evidence is currently insufficient to determine the role of this variant in disease. Therefore, it has been classified as a Variant of Uncertain Significance.